The following is an entry in ClinVar:

ClinVar aggregate classification (germline): Likely pathogenic (1 of 4 stars; one submission).

Submission:

Labcorp Genetics (formerly Invitae), Labcorp
Classification: Likely pathogenic. Last evaluated: 2025-06-16. Review status: criteria provided, single submitter. Criteria: Invitae Variant Classification Sherloc (09022015). Collection method: clinical testing. Allele origin: germline.
Comment: This sequence change affects a donor splice site in intron 21 of the MYO18B gene. It is expected to disrupt RNA splicing. Variants that disrupt the donor or acceptor splice site typically lead to a loss of protein function (PMID: 16199547), and loss-of-function variants in MYO18B are known to be pathogenic (PMID: 25748484, 32184166, 32637634). This variant is not present in population databases (gnomAD no frequency). This variant has not been reported in the literature in individuals affected with MYO18B-related conditions. Algorithms developed to predict the effect of sequence changes on RNA splicing suggest that this variant may disrupt the consensus splice site. In summary, the currently available evidence indicates that the variant is pathogenic, but additional data are needed to prove that conclusively. Therefore, this variant has been classified as Likely Pathogenic.

Literature cited by the submitters: PubMed 16199547; PubMed 25748484; PubMed 32184166; PubMed 32637634.

NM_032608.7(MYO18B):c.3885+1G>A

Gene: MYO18B (myosin XVIIIB; plus strand). Cytogenetic location: 22q12.1.
Variant type: single nucleotide variant.
Coding change: c.3885+1G>A on transcript NM_032608.7 (MANE Select); the canonical splice donor site of the intron after coding-DNA position 3885, G replaced by A.
Molecular consequence: splice donor variant.
Genome position (GRCh38, 1-based): chr22:25,851,580, G>A. VCF-style: chr22-25851580-G-A. GRCh37 (hg19) VCF-style: chr22-26247547-G-A.
Other names: c.3888+1G>A (NM_001318245.2).
Identifiers: ClinVar variation 4718486 (VCV004718486.1).